The following is an entry in ClinVar:

NM_212482.4(FN1):c.7229G>A (p.Cys2410Tyr)

Genes: ATIC (5-aminoimidazole-4-carboxamide ribonucleotide formyltransferase/IMP cyclohydrolase; plus strand), FN1 (fibronectin 1; minus strand). Cytogenetic location: 2q35.
Variant type: single nucleotide variant.
Coding change: c.7229G>A on transcript NM_212482.4 (MANE Select); coding-DNA position 7229, G replaced by A.
Protein change: p.Cys2410Tyr; replaces cysteine 2410 with tyrosine.
Molecular consequence: missense variant.
Genome position (GRCh38, 1-based): chr2:215,364,901, C>T on the plus strand (G>A on the coding strand, the complement: FN1 is on the minus strand). VCF-style: chr2-215364901-C-T. GRCh37 (hg19) VCF-style: chr2-216229624-C-T.
Other names: c.7136G>A, p.Cys2379Tyr (NM_001306129.2); c.6599G>A, p.Cys2200Tyr (NM_001306130.2); c.6593G>A, p.Cys2198Tyr (NM_001306131.2); c.6518G>A, p.Cys2173Tyr (NM_001306132.2); c.6959G>A, p.Cys2320Tyr (NM_001365517.2); c.6956G>A, p.Cys2319Tyr (NM_001365518.2); c.6884G>A, p.Cys2295Tyr (NM_001365519.2); c.6881G>A, p.Cys2294Tyr (NM_001365520.2); and 8 more; short protein forms C2109Y, C2173Y, C2198Y, C2199Y, C2200Y, C2204Y, C2229Y, C2263Y.
Identifiers: ClinVar variation 3255147 (VCV003255147.1), dbSNP rs2469156119.

ClinVar aggregate classification (germline): Uncertain significance (1 of 4 stars; one submission).

Conditions:
Glomerulopathy with fibronectin deposits 2 (GFND2). Identifiers: Orphanet 84090, MedGen C1866075, MONDO:0011165, OMIM 601894.

Submission:

Victorian Clinical Genetics Services, Murdoch Childrens Research Institute
Classification: Uncertain significance for Glomerulopathy with fibronectin deposits 2. Last evaluated: 2023-07-17. Review status: criteria provided, single submitter. Criteria: ACMG Guidelines, 2015. Collection method: clinical testing. Allele origin: germline. Inheritance: Autosomal dominant inheritance. Affected: yes.
Comment: Based on the classification scheme VCGS_Germline_v1.3.4, this variant is classified as VUS-3A. Following criteria are met: 0105 - The mechanism of disease for this gene is not clearly established. However, loss of function has been suggested based on mutant proteins not being secreted and subsequent intracellular accumulation (PMID: 29100092). (I) 0107 - This gene is associated with autosomal dominant disease. Variants associated with glomerulopathy with fibronectin deposits 2 (MIM#601894) lie within the C-terminus, while variants associated with spondylometaphyseal dysplasia, corner fracture type (MIM#184255) lie within the N-terminus and often affect the cysteine residues involved in disulphide bonds (PMIDs: 29100092, 32200603). (I) 0115 - Variants in this gene are known to have variable expressivity. Intrafamilial variability has been observed (PMID: 32200603). (I) 0200 - Variant is predicted to result in a missense amino acid change from cysteine to tyrosine. (I) 0251 - This variant is heterozygous. (I) 0301 - Variant is absent from gnomAD (both v2 and v3). (SP) 0309 - An alternative amino acid change at the same position has been observed in gnomAD (v2) (2 heterozygotes, 0 homozygotes). (I) 0501 - Missense variant consistently predicted to be damaging by multiple in silico tools or highly conserved with a major amino acid change. (SP) 0600 - Variant is located in the annotated fibronectin type 1 domain at the C-terminus and affects a cysteine residue involved in a disulphide bond (DECIPHER). (I) 0705 - No comparable missense variants have previous evidence for pathogenicity. (I) 0807 - This variant has no previous evidence of pathogenicity. (I) 0905 - No published segregation evidence has been identified for this variant. (I) 1007 - No published functional evidence has been identified for this variant. (I) 1208 - Inheritance information for this variant is not currently available in this individual. (I) Legend: (SP) - Supporting pathogenic, (I) - Information, (SB) - Supporting benign

Literature cited by the submitters: PubMed 29100092; PubMed 32200603.